The following is an entry in ClinVar:

ClinVar aggregate classification (germline): Likely benign. Review status: criteria provided, multiple submitters, no conflicts (2 of 4 stars). 4 submissions from 4 submitters: Likely benign (3). 1 of the submissions does not count toward it. Last evaluated 2025-07-29.

Conditions:
PDGFRB-related disorder. Also called: PDGFRB-related condition.
Acroosteolysis-keloid-like lesions-premature aging syndrome. Also called: Progeroid syndrome, Penttinen type; Premature aging syndrome, Penttinen type; Prematurely aged appearance, delayed bone maturation, acro-osteolysis, and brachydactyly. Identifiers: Orphanet 363665, MedGen C1866182, MONDO:0011150, OMIM 601812.
Basal ganglia calcification, idiopathic, 4 (PFBC4). Also called: PRIMARY FAMILIAL BRAIN CALCIFICATION 4, AUTOSOMAL DOMINANT; Familial Idiopathic Basal Ganglia Calcification 4. Identifiers: Orphanet 1980, MedGen C3554321, MONDO:0014004, OMIM 615007.
Infantile myofibromatosis (IMF). Also called: Congenital generalized fibromatosis. Identifiers: Orphanet 2591, MedGen C0432284, MONDO:0016824.
Skeletal overgrowth-craniofacial dysmorphism-hyperelastic skin-white matter lesions syndrome. Also called: SKELETAL OVERGROWTH WITH FACIAL DYSMORPHISM, HYPERELASTIC SKIN, WHITE MATTER LESIONS, AND NEUROLOGIC DETERIORATION; Kosaki overgrowth syndrome. Identifiers: Orphanet 477831, MedGen C4225270, MONDO:0014704, OMIM 616592.

Allele frequency attached by ClinVar (database versions not stated): ExAC 0.00003; 1000 Genomes Project 30x 0.00031; gnomAD 0.00004; TOPMed 0.00004; gnomAD exomes 0.00005; ESP Exome Variant Server 0.00008; 1000 Genomes Project 0.00040.

Submissions (4):

Mayo Clinic Laboratories, Mayo Clinic
Classification: Likely benign. Last evaluated: 2025-07-29. Review status: criteria provided, single submitter. Criteria: ACMG Guidelines, 2015. Collection method: clinical testing. Allele origin: germline. Observed: 1 variant allele.
Comment: BS2, BP4, BP7

Labcorp Genetics (formerly Invitae), Labcorp
Classification: Likely benign for Basal ganglia calcification, idiopathic, 4; Skeletal overgrowth-craniofacial dysmorphism-hyperelastic skin-white matter lesions syndrome; Infantile myofibromatosis; Acroosteolysis-keloid-like lesions-premature aging syndrome. Last evaluated: 2025-03-06. Review status: criteria provided, single submitter. Criteria: Invitae Variant Classification Sherloc (09022015). Collection method: clinical testing. Allele origin: germline.

CeGaT Center for Human Genetics Tuebingen
Classification: Likely benign. Last evaluated: 2022-04-01. Review status: criteria provided, single submitter. Criteria: CeGaT Center For Human Genetics Tuebingen Variant Classification Criteria Version 2. Collection method: clinical testing. Allele origin: germline. Affected: yes. Observed: 1 variant allele.
Comment: PDGFRB: BP4, BP7

PreventionGenetics, part of Exact Sciences
Classification: Likely benign for PDGFRB-related condition. Last evaluated: 2023-01-26. Review status: no assertion criteria provided. Collection method: clinical testing. Allele origin: germline. Not counted in ClinVar's aggregate classification.
Comment: This variant is classified as likely benign based on ACMG/AMP sequence variant interpretation guidelines (Richards et al. 2015 PMID: 25741868, with internal and published modifications).

NM_002609.4(PDGFRB):c.1536C>T (p.Asn512=)

Gene: PDGFRB (platelet derived growth factor receptor beta; minus strand). Cytogenetic location: 5q32.
Variant type: single nucleotide variant.
Coding change: c.1536C>T on transcript NM_002609.4 (MANE Select); coding-DNA position 1536, C replaced by T.
Protein change: p.Asn512=; no amino-acid change (asparagine 512 retained).
Molecular consequence: synonymous variant.
Genome position (GRCh38, 1-based): chr5:150,129,800, G>A on the plus strand (C>T on the coding strand, the complement: PDGFRB is on the minus strand). VCF-style: chr5-150129800-G-A. GRCh37 (hg19) VCF-style: chr5-149509363-G-A.
Other names: p.Asn512=; c.1344C>T, p.Asn448= (NM_001355016.2); c.1053C>T, p.Asn351= (NM_001355017.2); c.1536C>T (NM_002609.3).
Identifiers: ClinVar variation 1091364 (VCV001091364.35), dbSNP rs186555112, ClinGen allele CA3507947.